The following is an entry in ClinVar:

ClinVar aggregate classification (germline): Uncertain significance. Review status: criteria provided, multiple submitters, no conflicts (2 of 4 stars). 3 submissions from 3 submitters: Uncertain significance (3). Last evaluated 2025-08-12.

Conditions:
Autosomal recessive limb-girdle muscular dystrophy type 2W (MDRCMTT). Also called: Muscular dystrophy, limb-girdle, type 2W; Muscular dystrophy, autosomal recessive, with cardiomyopathy and triangular tongue. Identifiers: MedGen C4225192, MONDO:0014788, OMIM 616827.

Allele frequency attached by ClinVar (database versions not stated): gnomAD 0.00002; ExAC 0.00003; gnomAD exomes 0.00003; TOPMed 0.00003; ESP Exome Variant Server 0.00015.
gnomAD v4.1: 99 of 1,613,262 alleles (0.0061%); highest among the groups gnomAD compares: Non-Finnish European, 0.0074%; no homozygotes.

Submissions (3):

Ambry Genetics
Classification: Uncertain significance. Last evaluated: 2025-08-12. Review status: criteria provided, single submitter. Criteria: Ambry Variant Classification Scheme 2023. Collection method: clinical testing. Allele origin: germline.

Labcorp Genetics (formerly Invitae), Labcorp
Classification: Uncertain significance for Autosomal recessive limb-girdle muscular dystrophy type 2W. Last evaluated: 2025-04-25. Review status: criteria provided, single submitter. Criteria: Invitae Variant Classification Sherloc (09022015). Collection method: clinical testing. Allele origin: germline.
Comment: This sequence change replaces arginine, which is basic and polar, with cysteine, which is neutral and slightly polar, at codon 49 of the LIMS2 protein (p.Arg49Cys). This variant is present in population databases (rs375142763, gnomAD 0.007%). This variant has not been reported in the literature in individuals affected with LIMS2-related conditions. ClinVar contains an entry for this variant (Variation ID: 1054901). An algorithm developed to predict the effect of missense changes on protein structure and function (PolyPhen-2) suggests that this variant is likely to be disruptive. In summary, the available evidence is currently insufficient to determine the role of this variant in disease. Therefore, it has been classified as a Variant of Uncertain Significance.

Revvity Omics, Revvity
Classification: Uncertain significance for Autosomal recessive limb-girdle muscular dystrophy type 2W. Last evaluated: 2019-11-14. Review status: criteria provided, single submitter. Criteria: ACMG Guidelines, 2015. Collection method: clinical testing. Allele origin: germline.

NM_001161403.3(LIMS2):c.79C>T (p.Arg27Cys)

Gene: LIMS2 (LIM zinc finger domain containing 2; minus strand). Cytogenetic location: 2q14.3.
Variant type: single nucleotide variant.
Coding change: c.79C>T on transcript NM_001161403.3 (MANE Select); coding-DNA position 79, C replaced by T.
Protein change: p.Arg27Cys; replaces arginine 27 with cysteine.
Molecular consequence: missense variant.
Genome position (GRCh38, 1-based): chr2:127,657,495, G>A on the plus strand (C>T on the coding strand, the complement: LIMS2 is on the minus strand). VCF-style: chr2-127657495-G-A. GRCh37 (hg19) VCF-style: chr2-128415069-G-A.
Other names: c.151C>T (NM_017980.4); c.145C>T, p.Arg49Cys (NM_001136037.4); c.64C>T, p.Arg22Cys (NM_001161404.2); c.151C>T, p.Arg51Cys (NM_017980.5); c.145C>T (NM_001136037.3); short protein forms R22C, R27C, R49C, R51C.
Identifiers: ClinVar variation 1054901 (VCV001054901.12), dbSNP rs375142763, ClinGen allele CA1863577.
Genomic context (GRCh38, chr2:127,657,495, plus strand): 5'-AGCACTGGGCACACACGAAGCAGTGCTCATGGTACAGCTCCCCATTGCTGTTGACAATGC[G>A]CTCGGCGGGGGAGAAGCGGGCCTGGCAGCGCTGGCACACGGCGTTGGCCAAGGCGTCCGA-3'
Protein context (NP_001154875.1, residues 17-37): RCQARFSPAE[Arg27Cys]IVNSNGELYH